The following is an entry in ClinVar:

ClinVar aggregate classification (germline): Benign/Likely benign. Review status: criteria provided, multiple submitters, no conflicts (2 of 4 stars). 4 submissions from 4 submitters: Benign (1); Likely benign (3). Last evaluated 2025-03-16.

Conditions:
Melanoma, cutaneous malignant, susceptibility to, 3. Also called: Cutaneous malignant melanoma 3. Identifiers: Orphanet 618, MedGen C1836892, MONDO:0012183, OMIM 609048.
Hereditary cancer-predisposing syndrome. Also called: Hereditary Cancer Syndrome; Hereditary neoplastic syndrome; Neoplastic Syndromes, Hereditary; Tumor predisposition. Identifiers: Orphanet 140162, MedGen C0027672, MeSH D009386, MONDO:0015356.
Familial melanoma. Also called: Hereditary melanoma; Hereditary cutaneous melanoma. Identifiers: Orphanet 618, MedGen C1512419, MONDO:0018961.

Submissions (4):

Ambry Genetics
Classification: Likely benign for Hereditary cancer-predisposing syndrome. Last evaluated: 2025-03-16. Review status: criteria provided, single submitter. Criteria: Ambry Variant Classification Scheme 2023. Collection method: clinical testing. Allele origin: germline.

Myriad Genetics, Inc.
Classification: Benign for Melanoma, cutaneous malignant, susceptibility to, 3. Last evaluated: 2024-09-26. Review status: criteria provided, single submitter. Criteria: Myriad Autosomal Dominant, Autosomal Recessive and X-Linked Classification Criteria (2023). Collection method: clinical testing. Allele origin: unknown.
Comment: This variant is considered benign. This variant is a silent/synonymous amino acid change and it is not expected to impact splicing.

Labcorp Genetics (formerly Invitae), Labcorp
Classification: Likely benign for Familial melanoma. Last evaluated: 2023-03-30. Review status: criteria provided, single submitter. Criteria: Invitae Variant Classification Sherloc (09022015). Collection method: clinical testing. Allele origin: germline.

GeneDx
Classification: Likely benign. Last evaluated: 2016-02-05. Review status: criteria provided, single submitter. Criteria: GeneDx Variant Classification (06012015). Collection method: clinical testing. Allele origin: germline. Affected: yes.
Comment: This variant is considered likely benign or benign based on one or more of the following criteria: it is a conservative change, it occurs at a poorly conserved position in the protein, it is predicted to be benign by multiple in silico algorithms, and/or has population frequency not consistent with disease.

NM_000075.4(CDK4):c.564G>A (p.Gln188=)

Gene: CDK4 (cyclin dependent kinase 4; minus strand). Cytogenetic location: 12q14.1.
Variant type: single nucleotide variant.
Coding change: c.564G>A on transcript NM_000075.4 (MANE Select); coding-DNA position 564, G replaced by A.
Protein change: p.Gln188=; no amino-acid change (glutamine 188 retained).
Molecular consequence: synonymous variant.
Genome position (GRCh38, 1-based): chr12:57,750,724, C>T on the plus strand (G>A on the coding strand, the complement: CDK4 is on the minus strand). VCF-style: chr12-57750724-C-T. GRCh37 (hg19) VCF-style: chr12-58144507-C-T.
Other names: c.564G>A (LRG_490t1, NM_000075.3).
Identifiers: ClinVar variation 383588 (VCV000383588.6), dbSNP rs1057521685, ClinGen allele CA16607394.
Genomic context (GRCh38, chr12:57,750,724, plus strand): 5'-AAACATCTCTGCAAAGATACAGCCAACACTCCACATGTCCACAGGTGTTGCATATGTGGA[C>T]TGCAGAAGAACTTCGGGAGCTCGGTACCAGAGTGTAACAACCTAAAGGGAATAGGAAGAA-3'
Protein context (NP_000066.1, residues 178-198): LWYRAPEVLL[Gln188=]STYATPVDMW